The following is an entry in ClinVar:

ClinVar aggregate classification (germline): Likely benign (1 of 4 stars; one submission).

Conditions:
PLXNA1-related disorder. Also called: PLXNA1-related condition.

Submission:

PreventionGenetics, part of Exact Sciences
Classification: Likely benign for PLXNA1-related condition. Last evaluated: 2025-03-24. Review status: criteria provided, single submitter. Criteria: ACMG Guidelines, 2015. Collection method: clinical testing. Allele origin: germline.
Comment: This variant is classified as likely benign based on ACMG/AMP sequence variant interpretation guidelines (Richards et al. 2015 PMID: 25741868, with internal and published modifications).

NM_032242.4(PLXNA1):c.1198C>T (p.Leu400=)

Gene: PLXNA1 (plexin A1; plus strand). Cytogenetic location: 3q21.3.
Variant type: single nucleotide variant.
Coding change: c.1198C>T on transcript NM_032242.4 (MANE Select); coding-DNA position 1198, C replaced by T.
Protein change: p.Leu400=; no amino-acid change (leucine 400 retained).
Molecular consequence: synonymous variant.
Genome position (GRCh38, 1-based): chr3:126,991,387, C>T. VCF-style: chr3-126991387-C-T. GRCh37 (hg19) VCF-style: chr3-126710230-C-T.
Identifiers: ClinVar variation 4987280 (VCV004987280.1).